The following is an entry in ClinVar:

NM_002087.4(GRN):c.229G>A (p.Val77Ile)

Gene: GRN (granulin precursor; plus strand). Cytogenetic location: 17q21.31.
Variant type: single nucleotide variant.
Coding change: c.229G>A on transcript NM_002087.4 (MANE Select); coding-DNA position 229, G replaced by A.
Protein change: p.Val77Ile; replaces valine 77 with isoleucine.
Molecular consequence: missense variant.
Genome position (GRCh38, 1-based): chr17:44,349,516, G>A. VCF-style: chr17-44349516-G-A. GRCh37 (hg19) VCF-style: chr17-42426884-G-A.
Other names: p.Val77Ile; short protein forms V77I.
Identifiers: ClinVar variation 651116 (VCV000651116.32), dbSNP rs148531161, ClinGen allele CA8601795.

ClinVar aggregate classification (germline): Uncertain significance. Review status: criteria provided, multiple submitters, no conflicts (2 of 4 stars). 6 submissions from 6 submitters: Uncertain significance (6). Last evaluated 2025-12-10.

Conditions:
GRN-related disorder. Also called: GRN-related condition; GRN-related disorders.
Neuronal ceroid lipofuscinosis 11. Also called: GRN-Related Neuronal Ceroid-Lipofuscinosis. Identifiers: Orphanet 314629, Orphanet 79262, MedGen C3539123, MONDO:0013866, OMIM 614706.
GRN-related frontotemporal lobar degeneration with Tdp43 inclusions (FTD2). Also called: FRONTOTEMPORAL DEMENTIA WITH TDP43 INCLUSIONS, GRN-RELATED; GRN Frontotemporal Dementia; DEMENTIA, HEREDITARY DYSPHASIC DISINHIBITION; FRONTOTEMPORAL LOBAR DEGENERATION WITH UBIQUITIN-POSITIVE INCLUSIONS; FTLD-TDP, GRN-RELATED. Identifiers: Orphanet 100070, Orphanet 282, MedGen C1843792, MONDO:0011842, OMIM 607485. Disease mechanism: loss of function.

Allele frequency attached by ClinVar (database versions not stated): ESP Exome Variant Server 0.00008; gnomAD 0.00008 and 0.00009; gnomAD exomes 0.00009 and 0.00014; TOPMed 0.00009; ExAC 0.00011; 1000 Genomes Project 30x 0.00047; 1000 Genomes Project 0.00060.
gnomAD v4.1: 222 of 1,614,192 alleles (0.014%); highest among the groups gnomAD compares: Non-Finnish European, 0.017%; no homozygotes.

Submissions (6):

PreventionGenetics, part of Exact Sciences
Classification: Uncertain significance for GRN-related condition. Last evaluated: 2025-12-10. Review status: criteria provided, single submitter. Criteria: ACMG Guidelines, 2015. Collection method: clinical testing. Allele origin: germline.
Comment: The GRN c.229G>A variant is predicted to result in the amino acid substitution p.Val77Ile. This variant has been reported in individuals with neurodegenerative disorders including amyotrophic lateral sclerosis (ALS, Krüger et al. 2016. PubMed ID: 27790088) and Alzheimer disease (Bonvicini et al. 2019. PubMed ID: 30530974; Guven et al. 2019. PubMed ID: 30475763). Measured PGRN serum levels from an Alzheimer disease patient were moderately lower when compared to wildtype and known pathogenic variants (Guven et al. 2019. PubMed ID: 30475763). This variant is reported in 0.013% of alleles in individuals of European (non-Finnish) descent in gnomAD. At this time, the clinical significance of this variant is uncertain due to the absence of conclusive functional and genetic evidence.

Labcorp Genetics (formerly Invitae), Labcorp
Classification: Uncertain significance for Neuronal ceroid lipofuscinosis 11; GRN-related frontotemporal lobar degeneration with Tdp43 inclusions. Last evaluated: 2025-10-19. Review status: criteria provided, single submitter. Criteria: Invitae Variant Classification Sherloc (09022015). Collection method: clinical testing. Allele origin: germline.
Comment: This sequence change replaces valine, which is neutral and non-polar, with isoleucine, which is neutral and non-polar, at codon 77 of the GRN protein (p.Val77Ile). This variant is present in population databases (rs148531161, gnomAD 0.01%). This missense change has been observed in individual(s) with amyotrophic lateral sclerosis, Alzheimer disease, and/or Parkinson disease (PMID: 27790088, 30530974, 38397244). ClinVar contains an entry for this variant (Variation ID: 651116). An algorithm developed to predict the effect of missense changes on protein structure and function outputs the following: PolyPhen-2: "Benign". The isoleucine amino acid residue is found in multiple mammalian species, which suggests that this missense change does not adversely affect protein function. In summary, the available evidence is currently insufficient to determine the role of this variant in disease. Therefore, it has been classified as a Variant of Uncertain Significance.

CeGaT Center for Human Genetics Tuebingen
Classification: Uncertain significance. Last evaluated: 2025-10-01. Review status: criteria provided, single submitter. Criteria: CeGaT Center For Human Genetics Tuebingen Variant Classification Criteria Version 2. Collection method: clinical testing. Allele origin: germline. Affected: yes. Observed: 2 variant alleles.
Comment: GRN: PM2:Supporting, BP4

Mayo Clinic Laboratories, Mayo Clinic
Classification: Uncertain significance. Last evaluated: 2025-08-18. Review status: criteria provided, single submitter. Criteria: ACMG Guidelines, 2015. Collection method: clinical testing. Allele origin: germline. Observed: 2 variant alleles.
Comment: BP4_moderate

Women's Health and Genetics/Laboratory Corporation of America, LabCorp
Classification: Uncertain significance. Last evaluated: 2022-10-12. Review status: criteria provided, single submitter. Criteria: LabCorp Variant Classification Summary - May 2015. Collection method: clinical testing. Allele origin: germline.
Comment: Variant summary: GRN c.229G>A (p.Val77Ile) results in a conservative amino acid change located in the Granulin (IPR000118) of the encoded protein sequence. Five of five in-silico tools predict a benign effect of the variant on protein function. The variant allele was found at a frequency of 8.8e-05 in 251182 control chromosomes. This frequency is not significantly higher than expected for a pathogenic variant in GRN causing Neuronal Ceroid-Lipofuscinosis (Batten Disease) (8.8e-05 vs 0.00035), allowing no conclusion about variant significance. c.229G>A has been reported in the literature in individuals in the context of neurodegenerative conditions and without strong evidence of causality (Yu_2010 and Bonvicini_2019). These reports do not provide unequivocal conclusions about association of the variant with Neuronal Ceroid-Lipofuscinosis (Batten Disease). To our knowledge, no experimental evidence demonstrating an impact on protein function has been reported. One clinical diagnostic laboratory has submitted clinical-significance assessments for this variant to ClinVar after 2014 and classified the variant as uncertain significance. Based on the evidence outlined above, the variant was classified as uncertain significance.

Fulgent Genetics
Classification: Uncertain significance for GRN-related frontotemporal lobar degeneration with Tdp43 inclusions; Neuronal ceroid lipofuscinosis 11. Last evaluated: 2022-03-04. Review status: criteria provided, single submitter. Criteria: ACMG Guidelines, 2015. Collection method: clinical testing. Allele origin: unknown.

Literature cited by the submitters: PubMed 27790088 (cited by 3 submitters); PubMed 30530974 (cited by 3 submitters); PubMed 38397244 (cited by Labcorp Genetics (formerly Invitae), Labcorp and Mayo Clinic Laboratories, Mayo Clinic); PubMed 20142524 (cited by Mayo Clinic Laboratories, Mayo Clinic and Women's Health and Genetics/Laboratory Corporation of America, LabCorp); PubMed 30279455 (cited by Mayo Clinic Laboratories, Mayo Clinic and Women's Health and Genetics/Laboratory Corporation of America, LabCorp); PubMed 30475763 (cited by Mayo Clinic Laboratories, Mayo Clinic).